The following is an entry in ClinVar:

NM_000059.4(BRCA2):c.1447dup (p.Ala483fs)

Gene: BRCA2 (BRCA2 DNA repair associated; plus strand). Cytogenetic location: 13q13.1.
Variant type: Duplication.
Coding change: c.1447dup on transcript NM_000059.4 (MANE Select); coding-DNA position 1447, one base duplicated (G; older notation c.1447dupG).
Protein change: p.Ala483fs; shifts the reading frame from alanine 483.
Molecular consequence: frameshift variant.
Genome position (GRCh38, 1-based): chr13:32,332,925, G duplicated. VCF-style (leftmost placement, unchanged base first): chr13-32332924-T-TG. GRCh37 (hg19) VCF-style: chr13-32907061-T-TG.
Other names: c.1447dupG (NM_000059.3); short protein forms A483fs.
Identifiers: ClinVar variation 142646 (VCV000142646.13), dbSNP rs587782611, ClinGen allele CA169014.

ClinVar aggregate classification (germline): Pathogenic. Review status: reviewed by expert panel (3 of 4 stars). 3 submissions from 3 submitters: Pathogenic (1). 2 of the submissions do not count toward it. Last evaluated 2016-09-08.

Conditions:
Hereditary cancer-predisposing syndrome. Also called: Neoplastic Syndromes, Hereditary; Hereditary Cancer Syndrome; Hereditary neoplastic syndrome; Tumor predisposition. Identifiers: Orphanet 140162, MedGen C0027672, MeSH D009386, MONDO:0015356.
Hereditary breast ovarian cancer syndrome. Also called: Hereditary breast and ovarian cancer syndrome; Hereditary breast and/or ovarian cancer syndrome; BRCA1- and BRCA2-Associated Hereditary Breast and Ovarian Cancer; Hereditary breast and ovarian cancer; Breast and ovarian cancer; Hereditary breast and ovarian cancer syndrome (HBOC). Identifiers: Orphanet 145, MedGen C0677776, MeSH D061325, MONDO:0003582. Disease mechanism: loss of function.
Breast-ovarian cancer, familial, susceptibility to, 2 (BROVCA2). Also called: BRCA2 Hereditary Breast and Ovarian Cancer. Identifiers: Orphanet 145, MedGen C2675520, MONDO:0012933, OMIM 612555. Disease mechanism: loss of function.

Submissions (3):

Evidence-based Network for the Interpretation of Germline Mutant Alleles (ENIGMA)
Classification: Pathogenic for Breast-ovarian cancer, familial, susceptibility to, 2. Last evaluated: 2016-09-08. Review status: reviewed by expert panel. Criteria: ENIGMA BRCA1/2 Classification Criteria (2015). Collection method: curation. Allele origin: germline.
Comment: Variant allele predicted to encode a truncated non-functional protein.

Labcorp Genetics (formerly Invitae), Labcorp
Classification: Pathogenic for Hereditary breast ovarian cancer syndrome. Last evaluated: 2018-10-31. Review status: criteria provided, single submitter. Criteria: Invitae Variant Classification Sherloc (09022015). Collection method: clinical testing. Allele origin: germline. Not counted in ClinVar's aggregate classification.
Comment: For these reasons, this variant has been classified as Pathogenic. Loss-of-function variants in BRCA2 are known to be pathogenic (PMID: 20104584). This variant has not been reported in the literature in individuals with BRCA2-related disease. ClinVar contains an entry for this variant (Variation ID: 142646). This variant is not present in population databases (ExAC no frequency). This sequence change creates a premature translational stop signal (p.Ala483Glyfs*31) in the BRCA2 gene. It is expected to result in an absent or disrupted protein product.

Ambry Genetics
Classification: Pathogenic for Hereditary cancer-predisposing syndrome. Last evaluated: 2014-02-27. Review status: criteria provided, single submitter. Criteria: Ambry Autosomal Dominant and X-Linked criteria (10/2015). Collection method: clinical testing. Allele origin: germline. Observed: 1 variant allele. Not counted in ClinVar's aggregate classification.
Comment: Ã¢â‚¬â€¹The c.1447dupG pathogenic mutation(also known as1675insG), located in coding exon 9 of the BRCA2 gene, results from a duplication of G at position 1447, causing a translational frameshift with a predicted alternate stop codon. Since frameshifts are typically deleterious in nature, this alteration is interpreted as a disease-causing mutation (ACMG Recommendations for Standards for Interpretation and Reporting of Sequence Variations. Revision 2007. Genet Med. 2008;10:294).

Literature cited by the submitters: PubMed 20104584 (cited by Labcorp Genetics (formerly Invitae), Labcorp).